The following is an entry in ClinVar:

ClinVar aggregate classification (germline): Benign/Likely benign. Review status: criteria provided, multiple submitters, no conflicts (2 of 4 stars). 9 submissions from 9 submitters: Benign (2); Likely benign (7). Last evaluated 2026-01-18.

Conditions:
BAP1-related disorder. Also called: BAP1-related condition.
Hereditary cancer-predisposing syndrome. Also called: Hereditary Cancer Syndrome; Tumor predisposition; Hereditary neoplastic syndrome; Neoplastic Syndromes, Hereditary. Identifiers: Orphanet 140162, MedGen C0027672, MeSH D009386, MONDO:0015356.
BAP1-related tumor predisposition syndrome (TPDS1). Also called: TUMOR PREDISPOSITION SYNDROME 1; Tumor susceptibility linked to germline BAP1 mutations; BAP1 tumor predisposition syndrome; COMMON Syndrome. Identifiers: Orphanet 289539, MedGen C3280492, MONDO:0013692, OMIM 614327.

Allele frequency attached by ClinVar (database versions not stated): gnomAD 0.00003; gnomAD exomes 0.00003 and 0.00005; ExAC 0.00004; TOPMed 0.00005; ESP Exome Variant Server 0.00008.
gnomAD v4.1: 84 of 1,614,124 alleles (0.0052%); highest among the groups gnomAD compares: Middle Eastern, 0.016%; no homozygotes.

Submissions (9):

Labcorp Genetics (formerly Invitae), Labcorp
Classification: Likely benign for BAP1-related tumor predisposition syndrome. Last evaluated: 2026-01-18. Review status: criteria provided, single submitter. Criteria: Invitae Variant Classification Sherloc (09022015). Collection method: clinical testing. Allele origin: germline.

PreventionGenetics, part of Exact Sciences
Classification: Likely benign for BAP1-related condition. Last evaluated: 2025-10-13. Review status: criteria provided, single submitter. Criteria: ACMG Guidelines, 2015. Collection method: clinical testing. Allele origin: germline.
Comment: This variant is classified as likely benign based on ACMG/AMP sequence variant interpretation guidelines (Richards et al. 2015 PMID: 25741868, with internal and published modifications).

KCCC/NGS Laboratory, Kuwait Cancer Control Center
Classification: Benign for BAP1-related tumor predisposition syndrome. Last evaluated: 2025-02-01. Review status: criteria provided, single submitter. Criteria: ACMG Guidelines, 2015. Collection method: clinical testing. Allele origin: germline. Affected: no.

ARUP Laboratories, Molecular Genetics and Genomics, ARUP Laboratories
Classification: Likely benign. Last evaluated: 2024-08-02. Review status: criteria provided, single submitter. Criteria: ARUP Molecular Germline Variant Investigation Process 2024. Collection method: clinical testing. Allele origin: germline.

Myriad Genetics, Inc.
Classification: Benign for BAP1-related tumor predisposition syndrome. Last evaluated: 2024-07-15. Review status: criteria provided, single submitter. Criteria: Myriad Autosomal Dominant, Autosomal Recessive and X-Linked Classification Criteria (2023). Collection method: clinical testing. Allele origin: unknown.
Comment: This variant is considered benign. This variant is a silent/synonymous amino acid change and it is not expected to impact splicing.

GeneDx
Classification: Likely benign. Last evaluated: 2020-11-16. Review status: criteria provided, single submitter. Criteria: GeneDx Variant Classification Process June 2021. Collection method: clinical testing. Allele origin: germline. Affected: yes.

Genetic Services Laboratory, University of Chicago
Classification: Likely benign. Last evaluated: 2020-02-24. Review status: criteria provided, single submitter. Criteria: ACMG Guidelines, 2015. Collection method: clinical testing. Allele origin: germline. Affected: no.

Color Diagnostics, LLC DBA Color Health
Classification: Likely benign for Hereditary cancer-predisposing syndrome. Last evaluated: 2016-03-18. Review status: criteria provided, single submitter. Criteria: ACMG Guidelines, 2015. Collection method: clinical testing. Allele origin: germline.

Ambry Genetics
Classification: Likely benign for Hereditary cancer-predisposing syndrome. Last evaluated: 2015-08-27. Review status: criteria provided, single submitter. Criteria: Ambry Variant Classification Scheme 2023. Collection method: clinical testing. Allele origin: germline.

NM_004656.4(BAP1):c.705C>T (p.Pro235=)

Gene: BAP1 (BRCA1 associated deubiquitinase 1; minus strand). Cytogenetic location: 3p21.1.
Variant type: single nucleotide variant.
Coding change: c.705C>T on transcript NM_004656.4 (MANE Select); coding-DNA position 705, C replaced by T.
Protein change: p.Pro235=; no amino-acid change (proline 235 retained).
Molecular consequence: synonymous variant.
Genome position (GRCh38, 1-based): chr3:52,406,331, G>A on the plus strand (C>T on the coding strand, the complement: BAP1 is on the minus strand). VCF-style: chr3-52406331-G-A. GRCh37 (hg19) VCF-style: chr3-52440347-G-A.
Other names: c.705C>T (LRG_529t1).
Identifiers: ClinVar variation 417280 (VCV000417280.26), dbSNP rs138180791, ClinGen allele CA2437016.